The following is an entry in ClinVar:

ClinVar aggregate classification (germline): Pathogenic. Review status: criteria provided, multiple submitters, no conflicts (2 of 4 stars). 2 submissions from 2 submitters: Pathogenic (2). Last evaluated 2023-07-16.

Conditions:
Autosomal recessive nonsyndromic hearing loss 2. Also called: NEUROSENSORY NONSYNDROMIC RECESSIVE DEAFNESS 2; DEAFNESS, AUTOSOMAL RECESSIVE 2. Identifiers: Orphanet 90636, MedGen C1838701, MONDO:0010807, OMIM 600060.

Submissions (2):

Labcorp Genetics (formerly Invitae), Labcorp
Classification: Pathogenic. Last evaluated: 2023-07-16. Review status: criteria provided, single submitter. Criteria: Invitae Variant Classification Sherloc (09022015). Collection method: clinical testing. Allele origin: germline.
Comment: This sequence change creates a premature translational stop signal (p.Glu129*) in the MYO7A gene. It is expected to result in an absent or disrupted protein product. Loss-of-function variants in MYO7A are known to be pathogenic (PMID: 8900236, 25404053). For these reasons, this variant has been classified as Pathogenic. ClinVar contains an entry for this variant (Variation ID: 834391). This variant has not been reported in the literature in individuals affected with MYO7A-related conditions. This variant is not present in population databases (gnomAD no frequency).

Victorian Clinical Genetics Services, Murdoch Childrens Research Institute
Classification: Pathogenic for Autosomal recessive nonsyndromic hearing loss 2. Last evaluated: 2020-05-21. Review status: criteria provided, single submitter. Criteria: ACMG Guidelines, 2015. Collection method: clinical testing. Allele origin: germline. Inheritance: Autosomal recessive inheritance. Affected: yes.
Comment: Based on the classification scheme VCGS_Germline_v1.1.1, this variant is classified as pathogenic. Following criteria are met: 0102 - Loss-of-function is a known mechanism of disease for this gene. (N) 0108 - This gene is known to be associated with both recessive and dominant disease. (N) 0201 - Variant is predicted to cause nonsense-mediated decay (NMD) and loss of protein. (exon 5 of 9). (P) 0251 - Variant is heterozygous. (N) 0301 - Variant is absent from gnomAD. (P) 0701 - Comparable variants have very strong previous evidence for pathogenicity (Decipher, ClinVar, Subira, O. et al. (2019), Bademci, G. et al. (2016)). (P) 0807 - Variant has not previously been reported in a clinical context. (N) 0905 - No segregation evidence has been identified for this variant. (N) 1007 - No published functional evidence has been identified for this variant. (N) 1201 - Heterozygous variant detected in trans with a second (at least likely) pathogenic heterozygous variant in a recessive disease. (P) 1208 - Inheritance information for this variant is not currently available. (N) Legend: (P) - Pathogenic, (N) - Neutral, (B) - Benign

Literature cited by the submitters: PubMed 8900236 (cited by Labcorp Genetics (formerly Invitae), Labcorp); PubMed 25404053 (cited by Labcorp Genetics (formerly Invitae), Labcorp); PubMed 26226137 (cited by Victorian Clinical Genetics Services, Murdoch Childrens Research Institute); PubMed 31320737 (cited by Victorian Clinical Genetics Services, Murdoch Childrens Research Institute).

NM_000260.4(MYO7A):c.385G>T (p.Glu129Ter)

Gene: MYO7A (myosin VIIA; plus strand). Cytogenetic location: 11q13.5.
Variant type: single nucleotide variant.
Coding change: c.385G>T on transcript NM_000260.4 (MANE Select); coding-DNA position 385, G replaced by T.
Protein change: p.Glu129Ter; replaces glutamic acid 129 with a stop codon.
Molecular consequence: nonsense.
Genome position (GRCh38, 1-based): chr11:77,156,006, G>T. VCF-style: chr11-77156006-G-T. GRCh37 (hg19) VCF-style: chr11-76867052-G-T.
Other names: c.385G>T, p.Glu129Ter (NM_001127180.2); c.352G>T, p.Glu118Ter (NM_001369365.1); short protein forms E118*, E129*.
Identifiers: ClinVar variation 834391 (VCV000834391.8), dbSNP rs1952428470, ClinGen allele CA381931434.